The following is an entry in ClinVar:

ClinVar aggregate classification (germline): Benign. Review status: criteria provided, multiple submitters, no conflicts (2 of 4 stars). 8 submissions from 7 submitters: Benign (8). Last evaluated 2026-02-04.

Conditions:
Microcephaly 9, primary, autosomal recessive. Identifiers: Orphanet 2512, MedGen C3553886, MONDO:0013923, OMIM 614852.
Seckel syndrome 5 (SCKL5). Identifiers: Orphanet 808, MedGen C3151187, MONDO:0013443, OMIM 613823.

Allele frequency attached by ClinVar (database versions not stated): ESP Exome Variant Server 0.00740; gnomAD exomes 0.02247 and 0.05907; gnomAD 0.02268 and 0.02874; TOPMed 0.03464; ExAC 0.05345; 1000 Genomes Project 0.08686; 1000 Genomes Project 30x 0.08729.

Submissions (8):

Labcorp Genetics (formerly Invitae), Labcorp
Classification: Benign. Last evaluated: 2026-02-04. Review status: criteria provided, single submitter. Criteria: Invitae Variant Classification Sherloc (09022015). Collection method: clinical testing. Allele origin: germline.

Blueprint Genetics
Classification: Benign. Last evaluated: 2024-11-26. Review status: criteria provided, single submitter. Criteria: ACMG Guidelines, 2015. Collection method: clinical testing. Allele origin: germline.

Illumina Laboratory Services, Illumina
Classification: Benign for Seckel syndrome 5. Last evaluated: 2018-01-13. Review status: criteria provided, single submitter. Criteria: ICSL Variant Classification Criteria 13 December 2019. Collection method: clinical testing. Allele origin: germline.
Comment: This variant was observed in the ICSL laboratory as part of a predisposition screen in an ostensibly healthy population. It had not been previously curated by ICSL or reported in the Human Gene Mutation Database (HGMD: prior to June 1st, 2018), and was therefore a candidate for classification through an automated scoring system. Utilizing variant allele frequency, disease prevalence and penetrance estimates, and inheritance mode, an automated score was calculated to assess if this variant is too frequent to cause the disease. Based on the score and internal cut-off values, a variant classified as benign is not then subjected to further curation. The score for this variant resulted in a classification of benign for this disease.

Illumina Laboratory Services, Illumina
Classification: Benign for Microcephaly 9, primary, autosomal recessive. Last evaluated: 2018-01-13. Review status: criteria provided, single submitter. Criteria: ICSL Variant Classification Criteria 13 December 2019. Collection method: clinical testing. Allele origin: germline.
Comment: the same text as in the submission from Illumina Laboratory Services, Illumina above.

GeneDx
Classification: Benign. Last evaluated: 2014-03-31. Review status: criteria provided, single submitter. Criteria: GeneDx Variant Classification (06012015). Collection method: clinical testing. Allele origin: germline. Affected: yes.
Comment: This variant is considered likely benign or benign based on one or more of the following criteria: it is a conservative change, it occurs at a poorly conserved position in the protein, it is predicted to be benign by multiple in silico algorithms, and/or has population frequency not consistent with disease.

Genetic Services Laboratory, University of Chicago
Classification: Benign. Last evaluated: 2013-02-08. Review status: criteria provided, single submitter. Criteria: ACMG Guidelines, 2007. Collection method: clinical testing. Allele origin: germline. Inheritance: Autosomal recessive inheritance.

Breakthrough Genomics
Classification: Benign. Review status: criteria provided, single submitter. Criteria: ACMG Guidelines, 2015. Collection method: not provided. Allele origin: germline. Inheritance: Autosomal recessive inheritance. Affected: yes.

PreventionGenetics, part of Exact Sciences
Classification: Benign. Review status: criteria provided, single submitter. Criteria: ACMG Guidelines, 2015. Collection method: clinical testing. Allele origin: germline.

NM_001194998.2(CEP152):c.161C>T (p.Ser54Leu)

Gene: CEP152 (centrosomal protein 152; minus strand). Cytogenetic location: 15q21.1.
Variant type: single nucleotide variant.
Coding change: c.161C>T on transcript NM_001194998.2 (MANE Select); coding-DNA position 161, C replaced by T.
Protein change: p.Ser54Leu; replaces serine 54 with leucine.
Molecular consequence: missense variant.
Genome position (GRCh38, 1-based): chr15:48,797,978, G>A on the plus strand (C>T on the coding strand, the complement: CEP152 is on the minus strand). VCF-style: chr15-48797978-G-A. GRCh37 (hg19) VCF-style: chr15-49090175-G-A.
Other names: p.S54L:TCG>TTG; c.161C>T, p.Ser54Leu (NM_014985.4); short protein forms S54L.
Identifiers: ClinVar variation 136719 (VCV000136719.19), dbSNP rs2289181, ClinGen allele CA171703.